The following is an entry in ClinVar:

ClinVar aggregate classification (germline): Uncertain significance (1 of 4 stars; one submission).

Conditions:
Evans syndrome, immunodeficiency, and premature immunosenescence associated with tripeptidyl-peptidase II deficiency. Identifiers: MedGen CN231723. Disease mechanism: loss of function.

Submission:

Labcorp Genetics (formerly Invitae), Labcorp
Classification: Uncertain significance for Evans syndrome, immunodeficiency, and premature immunosenescence associated with tripeptidyl-peptidase II deficiency. Last evaluated: 2024-02-24. Review status: criteria provided, single submitter. Criteria: Invitae Variant Classification Sherloc (09022015). Collection method: clinical testing. Allele origin: germline.
Comment: This sequence change replaces lysine, which is basic and polar, with glutamic acid, which is acidic and polar, at codon 171 of the TPP2 protein (p.Lys171Glu). This variant is not present in population databases (gnomAD no frequency). This variant has not been reported in the literature in individuals affected with TPP2-related conditions. ClinVar contains an entry for this variant (Variation ID: 2105195). An algorithm developed to predict the effect of missense changes on protein structure and function (PolyPhen-2) suggests that this variant is likely to be disruptive. In summary, the available evidence is currently insufficient to determine the role of this variant in disease. Therefore, it has been classified as a Variant of Uncertain Significance.

NM_001330588.2(TPP2):c.511A>G (p.Lys171Glu)

Gene: TPP2 (tripeptidyl peptidase 2; plus strand). Cytogenetic location: 13q33.1.
Variant type: single nucleotide variant.
Coding change: c.511A>G on transcript NM_001330588.2 (MANE Select); coding-DNA position 511, A replaced by G.
Protein change: p.Lys171Glu; replaces lysine 171 with glutamic acid.
Molecular consequence: missense variant. On other transcripts: non-coding transcript variant (1).
Genome position (GRCh38, 1-based): chr13:102,618,737, A>G. VCF-style: chr13-102618737-A-G. GRCh37 (hg19) VCF-style: chr13-103271087-A-G.
Other names: c.511A>G, p.Lys171Glu (NM_001367947.1, NM_003291.4); short protein forms K171E.
Identifiers: ClinVar variation 2105195 (VCV002105195.4), dbSNP rs2503896423, ClinGen allele CA388475103.
Genomic context (GRCh38, chr13:102,618,737, plus strand): 5'-GAAGGACAGAATGTACTAATGTTAATCAGTTTTCCAACTGACTAGGCAAATAAACTAATC[A>G]AGGAGGAACTTCAAAGTCAAGTGGAATTGCTAAATTCTTTTGAGAAGAAATACAGCGATC-3'
Protein context (NP_001317517.1, residues 161-181): NGSSQANKLI[Lys171Glu]EELQSQVELL